The following is an entry in ClinVar:

ClinVar aggregate classification (germline): Uncertain significance (1 of 4 stars; one submission).

Conditions:
COG1 congenital disorder of glycosylation (CDG2G). Also called: CDG IIg; CDGII/COG1 CEREBROCOSTOMANDIBULAR-LIKE SYNDROME; CONGENITAL DISORDER OF GLYCOSYLATION, TYPE IIg. Identifiers: Orphanet 263508, MedGen C2931011, MONDO:0012637, OMIM 611209.

Submission:

Labcorp Genetics (formerly Invitae), Labcorp
Classification: Uncertain significance for COG1 congenital disorder of glycosylation. Last evaluated: 2025-09-24. Review status: criteria provided, single submitter. Criteria: Invitae Variant Classification Sherloc (09022015). Collection method: clinical testing. Allele origin: germline.
Comment: This sequence change replaces glutamic acid, which is acidic and polar, with lysine, which is basic and polar, at codon 826 of the COG1 protein (p.Glu826Lys). This variant is present in population databases (no rsID available, gnomAD 0.006%). This variant has not been reported in the literature in individuals affected with COG1-related conditions. Invitae Evidence Modeling of protein sequence and biophysical properties (such as structural, functional, and spatial information, amino acid conservation, physicochemical variation, residue mobility, and thermodynamic stability) indicates that this missense variant is not expected to disrupt COG1 protein function with a negative predictive value of 80%. In summary, the available evidence is currently insufficient to determine the role of this variant in disease. Therefore, it has been classified as a Variant of Uncertain Significance.

NM_018714.3(COG1):c.2476G>A (p.Glu826Lys)

Gene: COG1 (component of oligomeric golgi complex 1; plus strand). Cytogenetic location: 17q25.1.
Variant type: single nucleotide variant.
Coding change: c.2476G>A on transcript NM_018714.3 (MANE Select); coding-DNA position 2476, G replaced by A.
Protein change: p.Glu826Lys; replaces glutamic acid 826 with lysine.
Molecular consequence: missense variant.
Genome position (GRCh38, 1-based): chr17:73,205,646, G>A. VCF-style: chr17-73205646-G-A. GRCh37 (hg19) VCF-style: chr17-71201785-G-A.
Other names: short protein forms E826K.
Identifiers: ClinVar variation 4692973 (VCV004692973.1).